The following is an entry in ClinVar:

NM_005518.4(HMGCS2):c.1118A>C (p.Tyr373Ser)

Gene: HMGCS2 (3-hydroxy-3-methylglutaryl-CoA synthase 2; minus strand). Cytogenetic location: 1p12.
Variant type: single nucleotide variant.
Coding change: c.1118A>C on transcript NM_005518.4 (MANE Select); coding-DNA position 1118, A replaced by C.
Protein change: p.Tyr373Ser; replaces tyrosine 373 with serine.
Molecular consequence: missense variant.
Genome position (GRCh38, 1-based): chr1:119,755,496, T>G on the plus strand (A>C on the coding strand, the complement: HMGCS2 is on the minus strand). VCF-style: chr1-119755496-T-G. GRCh37 (hg19) VCF-style: chr1-120298119-T-G.
Other names: c.992A>C, p.Tyr331Ser (NM_001166107.1); short protein forms Y373S, Y331S.
Identifiers: ClinVar variation 1377740 (VCV001377740.6), dbSNP rs1652805414, ClinGen allele CA341858915.

ClinVar aggregate classification (germline): Uncertain significance (1 of 4 stars; one submission).

Conditions:
3-hydroxy-3-methylglutaryl-CoA synthase deficiency (HMGCS2D). Also called: MITOCHONDRIAL HMG-CoA SYNTHASE DEFICIENCY; HMG-CoA synthase-2 deficiency; HMGCS2 DEFICIENCY. Identifiers: Orphanet 35701, MedGen C2751532, MONDO:0011614, OMIM 605911.

Submission:

Labcorp Genetics (formerly Invitae), Labcorp
Classification: Uncertain significance for 3-hydroxy-3-methylglutaryl-CoA synthase deficiency. Last evaluated: 2022-02-24. Review status: criteria provided, single submitter. Criteria: Invitae Variant Classification Sherloc (09022015). Collection method: clinical testing. Allele origin: germline.
Comment: In summary, the available evidence is currently insufficient to determine the role of this variant in disease. Therefore, it has been classified as a Variant of Uncertain Significance. Algorithms developed to predict the effect of missense changes on protein structure and function are either unavailable or do not agree on the potential impact of this missense change (SIFT: "Tolerated"; PolyPhen-2: "Benign"; Align-GVGD: "Class C25"). This variant has not been reported in the literature in individuals affected with HMGCS2-related conditions. This variant is not present in population databases (gnomAD no frequency). This sequence change replaces tyrosine, which is neutral and polar, with serine, which is neutral and polar, at codon 373 of the HMGCS2 protein (p.Tyr373Ser).